The following is an entry in ClinVar:

ClinVar aggregate classification (germline): Uncertain significance (1 of 4 stars; one submission).

Conditions:
Drash syndrome (DDS). Also called: NEPHROPATHY, WILMS TUMOR, AND GENITAL ANOMALIES; WILMS TUMOR AND PSEUDO- OR TRUE HERMAPHRODITISM. Identifiers: Orphanet 220, MedGen C0950121, MONDO:0008682, OMIM 194080.
Wilms tumor 1 (WT1). Also called: Wilms tumor, somatic. Identifiers: Orphanet 654, MedGen CN033288, MONDO:0008679, OMIM 194070.
11p partial monosomy syndrome (WAGR). Also called: WAGR Complex; WAGR syndrome; CHROMOSOME 11p13 DELETION SYNDROME; WAGR Spectrum Disorder. Identifiers: Orphanet 893, MedGen C0206115, MONDO:0008681, OMIM 194072.
Frasier syndrome. Identifiers: Orphanet 347, MedGen C0950122, MeSH D052159, MONDO:0007635, OMIM 136680.

Submission:

Labcorp Genetics (formerly Invitae), Labcorp
Classification: Uncertain significance for Wilms tumor 1; Drash syndrome; 11p partial monosomy syndrome; Frasier syndrome. Last evaluated: 2021-09-19. Review status: criteria provided, single submitter. Criteria: Invitae Variant Classification Sherloc (09022015). Collection method: clinical testing. Allele origin: germline.
Comment: This sequence change replaces glutamic acid with aspartic acid at codon 154 of the WT1 protein (p.Glu154Asp). The glutamic acid residue is highly conserved and there is a small physicochemical difference between glutamic acid and aspartic acid. This variant is not present in population databases (ExAC no frequency). This variant has not been reported in the literature in individuals affected with WT1-related conditions. Algorithms developed to predict the effect of missense changes on protein structure and function (SIFT, PolyPhen-2, Align-GVGD) all suggest that this variant is likely to be tolerated. In summary, the available evidence is currently insufficient to determine the role of this variant in disease. Therefore, it has been classified as a Variant of Uncertain Significance.

NM_024426.6(WT1):c.477G>C (p.Glu159Asp)

Genes: WT1 (WT1 transcription factor; minus strand), LOC107982234 (WT1/WT1-AS bi-directional promoter region; plus strand). Cytogenetic location: 11p13.
Variant type: single nucleotide variant.
Coding change: c.477G>C on transcript NM_024426.6 (MANE Select); coding-DNA position 477, G replaced by C.
Protein change: p.Glu159Asp; replaces glutamic acid 159 with aspartic acid.
Molecular consequence: missense variant. On other transcripts: non-coding transcript variant (1).
Genome position (GRCh38, 1-based): chr11:32,434,884, C>G on the plus strand (G>C on the coding strand, the complement: WT1 is on the minus strand). VCF-style: chr11-32434884-C-G. GRCh37 (hg19) VCF-style: chr11-32456430-C-G.
Other names: c.477G>C, p.Glu159Asp (NM_000378.6, NM_024424.5); short protein forms E159D.
Identifiers: ClinVar variation 1383500 (VCV001383500.3), dbSNP rs2133102935, ClinGen allele CA379964951.
Genomic context (GRCh38, chr11:32,434,884, plus strand): 5'-GGCTCCGGCTGTGCCAGTGAACTGGCCGGAAAAGTGGACAGTGAAGGCGCTCAGGCACTG[C>G]TCCTCGTGCGGCTCCGCGCCGCCCCAGCTCGGCTCCTGTTTGATGAAGGAGTGAGGCGGC-3'
Protein context (NP_077744.4, residues 149-169): PSWGGAEPHE[Glu159Asp]QCLSAFTVHF